The following is an entry in ClinVar:

ClinVar aggregate classification (germline): Uncertain significance. Review status: criteria provided, multiple submitters, no conflicts (2 of 4 stars). 2 submissions from 2 submitters: Uncertain significance (2). Last evaluated 2025-03-05.

Conditions:
Maturity-onset diabetes of the young type 4 (MODY4). Also called: Maturity-onset diabetes of the young, type IV; MODY, type IV. Identifiers: Orphanet 552, MedGen C1833382, MONDO:0011667, OMIM 606392.

Submissions (2):

Women's Health and Genetics/Laboratory Corporation of America, LabCorp
Classification: Uncertain significance. Last evaluated: 2025-03-05. Review status: criteria provided, single submitter. Criteria: LabCorp Variant Classification Summary - May 2015. Collection method: clinical testing. Allele origin: germline.
Comment: Variant summary: PDX1 c.769C>T (p.Arg257X) results in a premature termination codon, predicted to cause a truncation of the encoded protein and not involved in NMD mechanism. The frequency data for this variant in gnomAD is considered unreliable, as metrics indicate poor data quality at this position. To our knowledge, no occurrence of c.769C>T in individuals affected with Familial Monogenic Diabetes (Maturity Onset Diabetes Of The Young 4)/Neonatal Diabetes Mellitus and no experimental evidence demonstrating its impact on protein function have been reported. ClinVar contains an entry for this variant (Variation ID: 1675329). Based on the evidence outlined above, the variant was classified as uncertain significance.

Center for Human Genetics and Genomic Medicine, Uniklinik Rwth Aachen
Classification: Uncertain significance for Maturity-onset diabetes of the young type 4. Last evaluated: 2022-04-06. Review status: criteria provided, single submitter. Criteria: ACMG Guidelines, 2015. Collection method: clinical testing. Allele origin: unknown. Inheritance: Autosomal dominant inheritance. Affected: yes.
Comment: The detected change is not listed in control collectives (gnomAD) and has not been described in the literature or in the ClinVar database (as of April 6th, 2022). It affects the last exon of the PDX1 gene, so that a "nonsense-mediated mRNA decay" and thus a loss of function of the corresponding protein cannot be assumed per se. To our knowledge, no disease-causing variants have been reported in the literature that are further C-terminal than the variant detected here (Yoshiji et al., 2022). The variant is currently to be regarded as a “variant of uncertain clinical significance” (ACMG criteria).

NM_000209.4(PDX1):c.769C>T (p.Arg257Ter)

Gene: PDX1 (pancreatic and duodenal homeobox 1; plus strand). Cytogenetic location: 13q12.2.
Variant type: single nucleotide variant.
Coding change: c.769C>T on transcript NM_000209.4 (MANE Select); coding-DNA position 769, C replaced by T.
Protein change: p.Arg257Ter; replaces arginine 257 with a stop codon.
Molecular consequence: nonsense.
Genome position (GRCh38, 1-based): chr13:27,924,618, C>T. VCF-style: chr13-27924618-C-T. GRCh37 (hg19) VCF-style: chr13-28498755-C-T.
Other names: short protein forms R257*.
Identifiers: ClinVar variation 1675329 (VCV001675329.3), dbSNP rs1236618998, ClinGen allele CA387646652.
Genomic context (GRCh38, chr13:27,924,618, plus strand): 5'-GCGCTGCCGCCGCCGCCGCCCCCCGGAGGTGCTGTGCCGCCCGCTGCCCCCGTTGCCGCC[C>T]GAGAGGGCCGCCTGCCGCCTGGCCTTAGCGCGTCGCCACAGCCCTCCAGCGTCGCGCCTC-3'